The following is an entry in ClinVar:

ClinVar aggregate classification (germline): Pathogenic (1 of 4 stars; one submission).

Submission:

Labcorp Genetics (formerly Invitae), Labcorp
Classification: Pathogenic. Last evaluated: 2022-10-13. Review status: criteria provided, single submitter. Criteria: Invitae Variant Classification Sherloc (09022015). Collection method: clinical testing. Allele origin: germline.
Comment: This variant is not present in population databases (gnomAD no frequency). For these reasons, this variant has been classified as Pathogenic. This variant disrupts the C-terminus of the FZD4 protein. Other variant(s) that disrupt this region (p.Thr500fs*12, p.Gln505*, p.Leu501fs*32) have been observed in individuals with FZD4-related conditions (PMID: 15223780). This suggests that this may be a clinically significant region of the protein. ClinVar contains an entry for this variant (Variation ID: 837460). This premature translational stop signal has been observed in individuals with familial exudative vitreoretinopathy (PMID: 19324841, 30452590). It has also been observed to segregate with disease in related individuals. This sequence change creates a premature translational stop signal (p.Trp496*) in the FZD4 gene. While this is not anticipated to result in nonsense mediated decay, it is expected to disrupt the last 42 amino acid(s) of the FZD4 protein.

Literature cited by the submitters: PubMed 15223780; PubMed 19324841; PubMed 30452590.

NM_012193.4(FZD4):c.1487G>A (p.Trp496Ter)

Genes: FZD4 (frizzled class receptor 4; minus strand), PRSS23 (serine protease 23; plus strand). Cytogenetic location: 11q14.2.
Variant type: single nucleotide variant.
Coding change: c.1487G>A on transcript NM_012193.4 (MANE Select); coding-DNA position 1487, G replaced by A.
Protein change: p.Trp496Ter; replaces tryptophan 496 with a stop codon.
Molecular consequence: nonsense. On other transcripts: non-coding transcript variant (2).
Genome position (GRCh38, 1-based): chr11:86,951,269, C>T on the plus strand (G>A on the coding strand, the complement: FZD4 is on the minus strand). VCF-style: chr11-86951269-C-T. GRCh37 (hg19) VCF-style: chr11-86662311-C-T.
Other names: short protein forms W496*.
Identifiers: ClinVar variation 837460 (VCV000837460.9), dbSNP rs1949288787, ClinGen allele CA382011081.